The following is an entry in ClinVar:

ClinVar aggregate classification (germline): Benign. Review status: criteria provided, multiple submitters, no conflicts (2 of 4 stars). 8 submissions from 7 submitters: Benign (6). 2 of the submissions do not count toward it. Last evaluated 2026-02-04.

Conditions:
Weill-Marchesani syndrome. Also called: WM Syndrome; Mesodermal dysmorphodystrophy congenital. Identifiers: Orphanet 3449, MedGen C0265313, MONDO:0018096.
Glaucoma 3, primary congenital, D. Identifiers: Orphanet 98976, MedGen C2751316, MONDO:0013122, OMIM 613086.

Allele frequency attached by ClinVar (database versions not stated): gnomAD exomes 0.01868 and 0.02462; ExAC 0.02760; gnomAD 0.03459 and 0.03523; TOPMed 0.03536; ESP Exome Variant Server 0.03737; 1000 Genomes Project 0.04892; 1000 Genomes Project 30x 0.05122.

Submissions (8):

Labcorp Genetics (formerly Invitae), Labcorp
Classification: Benign. Last evaluated: 2026-02-04. Review status: criteria provided, single submitter. Criteria: Invitae Variant Classification Sherloc (09022015). Collection method: clinical testing. Allele origin: germline.

GeneDx
Classification: Benign. Last evaluated: 2018-11-08. Review status: criteria provided, single submitter. Criteria: GeneDx Variant Classification Process June 2021. Collection method: clinical testing. Allele origin: germline. Affected: yes.

Illumina Laboratory Services, Illumina
Classification: Benign for Weill-Marchesani syndrome. Last evaluated: 2018-01-12. Review status: criteria provided, single submitter. Criteria: ICSL Variant Classification Criteria 13 December 2019. Collection method: clinical testing. Allele origin: germline.
Comment: This variant was observed in the ICSL laboratory as part of a predisposition screen in an ostensibly healthy population. It had not been previously curated by ICSL or reported in the Human Gene Mutation Database (HGMD: prior to June 1st, 2018), and was therefore a candidate for classification through an automated scoring system. Utilizing variant allele frequency, disease prevalence and penetrance estimates, and inheritance mode, an automated score was calculated to assess if this variant is too frequent to cause the disease. Based on the score and internal cut-off values, a variant classified as benign is not then subjected to further curation. The score for this variant resulted in a classification of benign for this disease.

Illumina Laboratory Services, Illumina
Classification: Benign for Glaucoma 3, primary congenital, D. Last evaluated: 2018-01-12. Review status: criteria provided, single submitter. Criteria: ICSL Variant Classification Criteria 13 December 2019. Collection method: clinical testing. Allele origin: germline.
Comment: the same text as in the submission from Illumina Laboratory Services, Illumina above.

Breakthrough Genomics
Classification: Benign. Review status: criteria provided, single submitter. Criteria: ACMG Guidelines, 2015. Collection method: not provided. Allele origin: germline. Inheritance: Autosomal recessive inheritance. Affected: yes.

PreventionGenetics, part of Exact Sciences
Classification: Benign. Review status: criteria provided, single submitter. Criteria: ACMG Guidelines, 2015. Collection method: clinical testing. Allele origin: germline.

Genome Diagnostics Laboratory, Amsterdam University Medical Center
Classification: Benign. Review status: no assertion criteria provided. Collection method: clinical testing. Allele origin: germline. Affected: yes. Study: VKGL Data-share Consensus. Not counted in ClinVar's aggregate classification.

Joint Genome Diagnostic Labs from Nijmegen and Maastricht, Radboudumc and MUMC+
Classification: Benign. Review status: no assertion criteria provided. Collection method: clinical testing. Allele origin: germline. Affected: yes. Study: VKGL Data-share Consensus. Not counted in ClinVar's aggregate classification.

NM_000428.3(LTBP2):c.2788+13C>T

Gene: LTBP2 (latent transforming growth factor beta binding protein 2; minus strand). Cytogenetic location: 14q24.3.
Variant type: single nucleotide variant.
Coding change: c.2788+13C>T on transcript NM_000428.3 (MANE Select); 13 bases into the intron after coding-DNA position 2788, C replaced by T.
Molecular consequence: intron variant.
Genome position (GRCh38, 1-based): chr14:74,521,898, G>A on the plus strand (C>T on the coding strand, the complement: LTBP2 is on the minus strand). VCF-style: chr14-74521898-G-A. GRCh37 (hg19) VCF-style: chr14-74988601-G-A.
Identifiers: ClinVar variation 256098 (VCV000256098.20), dbSNP rs78258030, ClinGen allele CA7269388.